The following is an entry in ClinVar:

ClinVar aggregate classification (germline): Pathogenic. Review status: criteria provided, multiple submitters, no conflicts (2 of 4 stars). 11 submissions from 11 submitters: Pathogenic (8). 3 of the submissions do not count toward it. Last evaluated 2025-09-24.

Conditions:
DEPDC5-related disorder. Also called: DEPDC5-related condition; DEPDC5-related related disorder.
Familial focal epilepsy with variable foci (FPEVF). Identifiers: Orphanet 98820, MedGen C1858477, MONDO:0020310.
Inborn genetic diseases. Identifiers: MedGen C0950123, MeSH D030342.
Epilepsy, familial focal, with variable foci 1 (FFEVF1). Also called: DEPDC5-Related Epilepsy. Identifiers: MedGen C4551983, MONDO:0024556, OMIM 604364.

Submissions (11):

Genesolutions, Medical Genetics Institutes, Ho Chi Minh City, Vietnam
Classification: Pathogenic for Epilepsy, familial focal, with variable foci 1. Last evaluated: 2025-09-24. Review status: criteria provided, single submitter. Criteria: ACMG Guidelines, 2015. Collection method: clinical testing. Allele origin: germline. Affected: yes.

Clinical Genetics Laboratory, University Hospital Schleswig-Holstein
Classification: Pathogenic for Epilepsy, familial focal, with variable foci 1. Last evaluated: 2025-04-17. Review status: criteria provided, single submitter. Criteria: ACMG Guidelines, 2015. Collection method: clinical testing. Allele origin: de novo. Affected: yes. Observed: 1 heterozygote.
Comment: ACMG criteria applied: PM2, PS4, PVS1, PS2_Supporting

Ambry Genetics
Classification: Pathogenic for Inborn genetic diseases. Last evaluated: 2024-12-13. Review status: criteria provided, single submitter. Criteria: Ambry Variant Classification Scheme 2023. Collection method: clinical testing. Allele origin: germline.
Comment: The c.982C>T (p.R328*) alteration, located in exon 15 (coding exon 14) of the DEPDC5 gene, consists of a C to T substitution at nucleotide position 982. This changes the amino acid from a arginine (R) to a stop codon at amino acid position 328. This alteration is expected to result in loss of function by premature protein truncation or nonsense-mediated mRNA decay. This variant was not reported in population-based cohorts in the Genome Aggregation Database (gnomAD). This variant was reported in individual(s) with focal cortical dysplasia, familial temporal lobe epilepsy, infantile spasms, and/or focal seizures; in at least one individual, it was determined to be de novo (Ishida, 2013; Baldassari, 2019; Bo&szlig;elmann, 2022; Fujita, 2023). Based on the available evidence, this alteration is classified as pathogenic.

Labcorp Genetics (formerly Invitae), Labcorp
Classification: Pathogenic for Familial focal epilepsy with variable foci. Last evaluated: 2024-09-12. Review status: criteria provided, single submitter. Criteria: Invitae Variant Classification Sherloc (09022015). Collection method: clinical testing. Allele origin: germline.
Comment: This sequence change creates a premature translational stop signal (p.Arg328*) in the DEPDC5 gene. It is expected to result in an absent or disrupted protein product. Loss-of-function variants in DEPDC5 are known to be pathogenic (PMID: 23542697, 23542701). This variant is not present in population databases (gnomAD no frequency). This premature translational stop signal has been observed in individual(s) with clinical features of DEPDC5-related conditions (PMID: 23542701, 30093711). In at least one individual the variant was observed to be de novo. It has also been observed to segregate with disease in related individuals. ClinVar contains an entry for this variant (Variation ID: 50825). For these reasons, this variant has been classified as Pathogenic.

Clinical Genomics Laboratory, Washington University in St. Louis
Classification: Pathogenic for Epilepsy, familial focal, with variable foci 1. Last evaluated: 2024-08-06. Review status: criteria provided, single submitter. Criteria: Leon-Quintero et al. (Clin Genet. 2025). Collection method: clinical testing. Allele origin: somatic. Affected: yes.
Comment: A DEPDC5 c.982C>T (p.Arg328*) variant was identified at an allelic fraction consistent with somatic origin. This variant has been reported in several individuals with epilepsy (Baldassari S et al., PMID: 30093711; Ishida S et al., PMID: 23542701; Bobelmann CM et al., PMID: 34953286). This variant has been reported in the ClinVar database as a pathogenic variant by six submitters (ClinVar ID: 50825). It is absent from the general population (gnomAD v.4.1.0), indicating it is not a common variant. The DEPDC5 c.982C>T (p.Arg328*) variant causes a premature termination codon, which is predicted to lead to nonsense mediated decay, and loss of function is the known disease mechanism (Baldassari S et al., PMID: 30093711; Bonaglia MC et al., PMID: 29588938). Based on available information and an internally developed protocol informed by the ACMG/AMP guidelines for variant interpretation and gene-specific practices from the ClinGen Criteria Specification Registry (Leon-Quintero FZ et al., PMID: 39434542), the DEPDC5 c.982C>T (p.Arg328*) variant is classified as pathogenic.

GeneDx
Classification: Pathogenic. Last evaluated: 2024-03-12. Review status: criteria provided, single submitter. Criteria: GeneDx Variant Classification Process June 2021. Collection method: clinical testing. Allele origin: germline.
Comment: Nonsense variant predicted to result in protein truncation or nonsense mediated decay in a gene for which loss of function is a known mechanism of disease; Not observed at significant frequency in large population cohorts (gnomAD); This variant is associated with the following publications: (PMID: 34953286, 23542701, 30093711, 36864519)

Neuberg Centre For Genomic Medicine, NCGM
Classification: Pathogenic for Epilepsy, familial focal, with variable foci 1. Review status: criteria provided, single submitter. Criteria: ACMG Guidelines, 2015. Collection method: clinical testing. Allele origin: germline. Inheritance: Autosomal dominant inheritance. Affected: yes.
Comment: The stop gained (c.982C>T) variant has been reported previously in patients affected with Epilepsy, familial focal, with variable foci 1 (shida et. al., 2013). In at least one individual the variant was observed to be de novo. The c.982C>T variant is novel (not in any individuals) in gnomAD Exomes and 1000 Genomes. This variant has been reported in ClinVar as Pathogenic. The nucleotide change c.982C>T in DEPDC5 is predicted as conserved by GERP++ and PhyloP across 100 vertebrates. This variant is predicted to cause loss of normal protein function through protein truncation. Loss-of-function variants in DEPDC5 are known to be pathogenic (Dibbens et. al., 2013). For these reasons, this variant has been classified as Pathogenic.

Rady Children's Institute for Genomic Medicine, Rady Children's Hospital San Diego
Classification: Pathogenic for DEPDC5-related related disorder. Review status: criteria provided, single submitter. Criteria: ACMG Guidelines, 2015. Collection method: clinical testing. Allele origin: germline.
Comment: This nonsense variant found in exon 14 of 42 is predicted to result in loss of normal protein function through either protein truncation or nonsense-mediated mRNA decay. Loss-of-function variation in DEPDC5 is an established mechanism of disease (PMID:30093711, 27683934, 23542697, 23542701). This variant has been previously reported as a heterozygous change in patients with DEPDC5-related epilepsy (PMID: 23542701, 30093711, 34953286). The c.982C>T (p.Arg328Ter) variant is absent from the gnomAD population database and thus is presumed to be rare. Based on the available evidence, c.982C>T (p.Arg328Ter) is classified as Pathogenic.

OMIM
Classification: Pathogenic for EPILEPSY, FAMILIAL FOCAL, WITH VARIABLE FOCI 1. Last evaluated: 2013-05-01. Review status: no assertion criteria provided. Collection method: literature only. Allele origin: germline. Not counted in ClinVar's aggregate classification.

Cytogénomique, Hospices Civils de Lyon
Classification: Pathogenic for Epilepsy, familial focal, with variable foci 1. Review status: no assertion criteria provided. Collection method: clinical testing. Allele origin: unknown. Inheritance: Autosomal dominant inheritance. Affected: yes. Not counted in ClinVar's aggregate classification.

GeneReviews
No classification provided. Condition: Epilepsy, familial focal, with variable foci 1. Review status: no classification provided. Collection method: literature only. Allele origin: germline. Affected: yes. Not counted in ClinVar's aggregate classification.

Literature cited by the submitters: PubMed 23542701 (cited by 3 submitters); PubMed 30093711 (cited by Ambry Genetics and Labcorp Genetics (formerly Invitae), Labcorp); PubMed 34953286 (cited by Ambry Genetics); PubMed 36864519 (cited by Ambry Genetics); PubMed 23542697 (cited by Labcorp Genetics (formerly Invitae), Labcorp); Ishida, S., Picard, F., Rudolf, G., Noe, E., Achaz, G., Thomas, P., Genton, P., Mundwiller, E., Wolff, M., Marescaux, C., Miles, R., Baulac, M., Hirsch, E., Leguern, E., Baulac, S. Mutations of DEPDC5 cause autosomal dominant focal epilepsies. Nature Genet. 45: 552-555, 2013. (cited by OMIM); NCBI Bookshelf NBK385626 (cited by GeneReviews).

NM_001242896.3(DEPDC5):c.982C>T (p.Arg328Ter)

Gene: DEPDC5 (DEP domain containing 5, GATOR1 subcomplex subunit; plus strand). Cytogenetic location: 22q12.3.
Variant type: single nucleotide variant.
Coding change: c.982C>T on transcript NM_001242896.3 (MANE Select); coding-DNA position 982, C replaced by T.
Protein change: p.Arg328Ter; replaces arginine 328 with a stop codon.
Molecular consequence: nonsense. On other transcripts: non-coding transcript variant (5).
Genome position (GRCh38, 1-based): chr22:31,802,739, C>T. VCF-style: chr22-31802739-C-T. GRCh37 (hg19) VCF-style: chr22-32198725-C-T.
Other names: c.982C>T, p.Arg328Ter (NM_001007188.4, NM_001136029.4, NM_001242897.2 and 7 more transcripts); c.898C>T, p.Arg300Ter (NM_001369901.1, NM_001369902.1); c.982C>T (NM_001136029.2); short protein forms R328*, R300*.
Identifiers: ClinVar variation 50825 (VCV000050825.17), dbSNP rs587776977, ClinGen allele CA143799.